The following is an entry in ClinVar:

NM_182916.3(TRNT1):c.1205_1206dup (p.Glu403fs)

Gene: TRNT1 (tRNA nucleotidyl transferase 1; plus strand). Cytogenetic location: 3p26.2.
Variant type: Duplication.
Coding change: c.1205_1206dup on transcript NM_182916.3 (MANE Select); coding-DNA positions 1205 to 1206, 2 bases duplicated (AA; older notation c.1205_1206dupAA).
Protein change: p.Glu403fs; shifts the reading frame from glutamic acid 403.
Molecular consequence: frameshift variant. On other transcripts: non-coding transcript variant (8).
Genome position (GRCh38, 1-based): chr3:3,148,054-3,148,055, AA duplicated; duplicating any 2 consecutive bases within chr3:3,148,052-3,148,055 gives the same sequence; the c. name uses the placement nearest the transcript's 3' end. VCF-style (leftmost placement, unchanged base first): chr3-3148051-G-GAA. GRCh37 (hg19) VCF-style: chr3-3189735-G-GAA.
Other names: p.(Glu403LysfsTer27); c.1145_1146dup, p.Glu383fs (NM_001302946.2); c.1205_1206dup, p.Glu403fs (NM_001367321.1, NM_001367322.1, NM_001367323.1); short protein forms E383fs, E403fs.
Identifiers: ClinVar variation 1377011 (VCV001377011.7), dbSNP rs1449106096, ClinGen allele CA541100819.

ClinVar aggregate classification (germline): Pathogenic/Likely pathogenic. Review status: criteria provided, multiple submitters, no conflicts (2 of 4 stars). 2 submissions from 2 submitters: Pathogenic (1); Likely pathogenic (1). Last evaluated 2025-12-28.

Conditions:
Congenital sideroblastic anemia-B-cell immunodeficiency-periodic fever-developmental delay syndrome. Also called: Sideroblastic anemia with B-cell immunodeficiency, periodic fevers, and developmental delay. Identifiers: Orphanet 369861, MedGen C4015172, MONDO:0014487, OMIM 616084.

Submissions (2):

Labcorp Genetics (formerly Invitae), Labcorp
Classification: Pathogenic for Congenital sideroblastic anemia-B-cell immunodeficiency-periodic fever-developmental delay syndrome. Last evaluated: 2025-12-28. Review status: criteria provided, single submitter. Criteria: Invitae Variant Classification Sherloc (09022015). Collection method: clinical testing. Allele origin: germline.
Comment: This sequence change creates a premature translational stop signal (p.Glu403Lysfs*27) in the TRNT1 gene. While this is not anticipated to result in nonsense mediated decay, it is expected to disrupt the last 32 amino acid(s) of the TRNT1 protein. This variant is present in population databases (no rsID available, gnomAD 0.003%). This variant has not been reported in the literature in individuals affected with TRNT1-related conditions. ClinVar contains an entry for this variant (Variation ID: 1377011). This variant disrupts a region of the TRNT1 protein in which other variant(s) (p.Ser418Lysfs*9) have been determined to be pathogenic (PMID: 25193871, 26494905, 29358286). This suggests that this is a clinically significant region of the protein, and that variants that disrupt it are likely to be disease-causing. For these reasons, this variant has been classified as Pathogenic.

Department of Pathology and Laboratory Medicine, Sinai Health System
Classification: Likely pathogenic for Congenital sideroblastic anemia-B-cell immunodeficiency-periodic fever-developmental delay syndrome. Last evaluated: 2023-07-11. Review status: criteria provided, single submitter. Criteria: ACMG Guidelines, 2015. Collection method: research. Allele origin: germline.

Literature cited by the submitters: PubMed 25193871 (cited by Labcorp Genetics (formerly Invitae), Labcorp); PubMed 26494905 (cited by Labcorp Genetics (formerly Invitae), Labcorp); PubMed 29358286 (cited by Labcorp Genetics (formerly Invitae), Labcorp).